The following is an entry in ClinVar:

NM_001382567.1(STIM1):c.1754A>G (p.Asn585Ser)

Gene: STIM1 (stromal interaction molecule 1; plus strand). Cytogenetic location: 11p15.4.
Variant type: single nucleotide variant.
Coding change: c.1754A>G on transcript NM_001382567.1 (MANE Select); coding-DNA position 1754, A replaced by G.
Protein change: p.Asn585Ser; replaces asparagine 585 with serine.
Molecular consequence: missense variant. On other transcripts: 3 prime UTR variant (4), non-coding transcript variant (3).
Genome position (GRCh38, 1-based): chr11:4,091,401, A>G. VCF-style: chr11-4091401-A-G. GRCh37 (hg19) VCF-style: chr11-4112631-A-G.
Other names: p.Asn554Ser; c.1979A>G, p.Asn660Ser (NM_001277961.3); c.*75A>G (NM_001277962.2, NM_001382578.1, NM_001382579.1 and 1 more transcripts); c.1757A>G, p.Asn586Ser (NM_001382566.1); c.1682A>G, p.Asn561Ser (NM_001382568.1); c.1526A>G, p.Asn509Ser (NM_001382569.1); c.1433A>G, p.Asn478Ser (NM_001382570.1); c.1181A>G, p.Asn394Ser (NM_001382571.1); and 3 more; short protein forms N394S, N509S, N554S, N586S, N660S, N480S, N561S, N478S.
Identifiers: ClinVar variation 957596 (VCV000957596.10), dbSNP rs748820994, ClinGen allele CA5830605.
Genomic context (GRCh38, chr11:4,091,401, plus strand): 5'-CCCCCAAACCTCCTCAGATGAGCCGTGCTGCAGACGAGGCTCTCAATGCCATGACTTCCA[A>G]TGGCAGCCACCGGCTGATCGAGGGGGTCCACCCAGGGTCTCTGGTGGAGAAACTGCCTGA-3'
Protein context (NP_001369496.1, residues 575-595): ADEALNAMTS[Asn585Ser]GSHRLIEGVH

ClinVar aggregate classification (germline): Uncertain significance. Review status: criteria provided, multiple submitters, no conflicts (2 of 4 stars). 2 submissions from 2 submitters: Uncertain significance (2). Last evaluated 2025-06-26.

Conditions:
Myopathy with tubular aggregates (TAM). Also called: Tubular Aggregate Myopathy. Identifiers: Orphanet 2593, MedGen C0410207, MONDO:0008051.
Stormorken syndrome (STRMK). Also called: THROMBOCYTOPATHY, ASPLENIA, AND MIOSIS. Identifiers: Orphanet 3204, MedGen C1861451, MONDO:0008497, OMIM 185070.
Combined immunodeficiency due to STIM1 deficiency. Also called: IMMUNODEFICIENCY 10; STIM1 DEFICIENCY. Identifiers: Orphanet 169090, Orphanet 317430, MedGen C2748557, MONDO:0013008, OMIM 612783.

Allele frequency attached by ClinVar (database versions not stated): ExAC 0.00001; gnomAD exomes 0.00001 and 0.00002.
gnomAD v4.1: 25 of 1,614,132 alleles (0.0015%); highest among the groups gnomAD compares: Non-Finnish European, 0.002%; no homozygotes.

Submissions (2):

Mayo Clinic Laboratories, Mayo Clinic
Classification: Uncertain significance. Last evaluated: 2025-06-26. Review status: criteria provided, single submitter. Criteria: ACMG Guidelines, 2015. Collection method: clinical testing. Allele origin: germline. Observed: 2 variant alleles.
Comment: BP4

Labcorp Genetics (formerly Invitae), Labcorp
Classification: Uncertain significance for Myopathy with tubular aggregates; Combined immunodeficiency due to STIM1 deficiency; Stormorken syndrome. Last evaluated: 2024-07-24. Review status: criteria provided, single submitter. Criteria: Invitae Variant Classification Sherloc (09022015). Collection method: clinical testing. Allele origin: germline.
Comment: This sequence change replaces asparagine, which is neutral and polar, with serine, which is neutral and polar, at codon 554 of the STIM1 protein (p.Asn554Ser). This variant is present in population databases (rs748820994, gnomAD 0.002%). This missense change has been observed in individual(s) with clinical features of tubular aggregate myopathy (Invitae). ClinVar contains an entry for this variant (Variation ID: 957596). Advanced modeling of protein sequence and biophysical properties (such as structural, functional, and spatial information, amino acid conservation, physicochemical variation, residue mobility, and thermodynamic stability) has been performed at Invitae for this missense variant, however the output from this modeling did not meet the statistical confidence thresholds required to predict the impact of this variant on STIM1 protein function. In summary, the available evidence is currently insufficient to determine the role of this variant in disease. Therefore, it has been classified as a Variant of Uncertain Significance.